The following is an entry in ClinVar:

ClinVar aggregate classification (germline): Uncertain significance (1 of 4 stars; one submission).

Conditions:
Cowden syndrome 6 (CWS6). Identifiers: Orphanet 201, MedGen C3554519, MONDO:0014048, OMIM 615109.

Allele frequency attached by ClinVar (database versions not stated): gnomAD exomes below 0.00001.

Submission:

Labcorp Genetics (formerly Invitae), Labcorp
Classification: Uncertain significance for Cowden syndrome 6. Last evaluated: 2020-01-02. Review status: criteria provided, single submitter. Criteria: Invitae Variant Classification Sherloc (09022015). Collection method: clinical testing. Allele origin: germline.
Comment: In summary, the available evidence is currently insufficient to determine the role of this variant in disease. Therefore, it has been classified as a Variant of Uncertain Significance. Algorithms developed to predict the effect of missense changes on protein structure and function (SIFT, PolyPhen-2, Align-GVGD) all suggest that this variant is likely to be disruptive, but these predictions have not been confirmed by published functional studies and their clinical significance is uncertain. This variant has not been reported in the literature in individuals with AKT1-related conditions. This variant is not present in population databases (ExAC no frequency). This sequence change replaces lysine with threonine at codon 426 of the AKT1 protein (p.Lys426Thr). The lysine residue is highly conserved and there is a moderate physicochemical difference between lysine and threonine.

NM_001382430.1(AKT1):c.1277A>C (p.Lys426Thr)

Gene: AKT1 (AKT serine/threonine kinase 1; minus strand). Cytogenetic location: 14q32.33.
Variant type: single nucleotide variant.
Coding change: c.1277A>C on transcript NM_001382430.1 (MANE Select); coding-DNA position 1277, A replaced by C.
Protein change: p.Lys426Thr; replaces lysine 426 with threonine.
Molecular consequence: missense variant.
Genome position (GRCh38, 1-based): chr14:104,770,831, T>G on the plus strand (A>C on the coding strand, the complement: AKT1 is on the minus strand). VCF-style: chr14-104770831-T-G. GRCh37 (hg19) VCF-style: chr14-105237168-T-G.
Other names: c.1277A>C, p.Lys426Thr (NM_001014431.2, NM_001014432.2, NM_001382431.1 and 3 more transcripts); short protein forms K426T.
Identifiers: ClinVar variation 1016933 (VCV001016933.9), dbSNP rs1892344387, ClinGen allele CA391214749.
Genomic context (GRCh38, chr14:104,770,831, plus strand): 5'-ATCTGGGCCGTGAACTCCTCATCAAAATACCTGGTGTCAGTCTCCGACGTGACCTGGGGC[T>G]TGAAGGGTGGGCTGAGCTGCAGAGGTGGGCAGACGGGACAGTCATGAGCTTCGCTCCCCA-3'
Protein context (NP_001369359.1, residues 416-436): VYEKKLSPPF[Lys426Thr]PQVTSETDTR